The following is an entry in ClinVar:

NM_006612.6(KIF1C):c.1847G>A (p.Gly616Glu)

Genes: KIF1C (kinesin family member 1C; plus strand), LOC126862473 (CDK7 strongly-dependent group 2 enhancer GRCh37_chr17:4923264-4924463; plus strand). Cytogenetic location: 17p13.2.
Variant type: single nucleotide variant.
Coding change: c.1847G>A on transcript NM_006612.6 (MANE Select); coding-DNA position 1847, G replaced by A.
Protein change: p.Gly616Glu; replaces glycine 616 with glutamic acid.
Molecular consequence: missense variant.
Genome position (GRCh38, 1-based): chr17:5,020,588, G>A. VCF-style: chr17-5020588-G-A. GRCh37 (hg19) VCF-style: chr17-4923883-G-A.
Other names: short protein forms G616E.
Identifiers: ClinVar variation 657608 (VCV000657608.9), dbSNP rs1283601775, ClinGen allele CA397310309.
Genomic context (GRCh38, chr17:5,020,588, plus strand): 5'-GCTTCAACCACCCGGAGCAGGCAAGGCTGGAACGGGAACGAGGGGTCCCCCCACCCCCAG[G>A]ACCGCCCTCTGAGCCAGTCGACTGGAACTTTGCCCAGAAGGAACTGCTGGAGCAGCAAGG-3'
Protein context (NP_006603.2, residues 606-626): ERERGVPPPP[Gly616Glu]PPSEPVDWNF

ClinVar aggregate classification (germline): Uncertain significance (1 of 4 stars; one submission).

Conditions:
Spastic ataxia 2. Also called: Ataxia, spastic, 2, autosomal recessive. Identifiers: Orphanet 397946, MedGen C1969796, MONDO:0012651, OMIM 611302.

Allele frequency attached by ClinVar (database versions not stated): gnomAD exomes below 0.00001 and 0.00005; gnomAD 0.00001; TOPMed 0.00002.

Submission:

Labcorp Genetics (formerly Invitae), Labcorp
Classification: Uncertain significance for Spastic ataxia 2. Last evaluated: 2018-12-05. Review status: criteria provided, single submitter. Criteria: Invitae Variant Classification Sherloc (09022015). Collection method: clinical testing. Allele origin: germline.
Comment: This sequence change replaces glycine with glutamic acid at codon 616 of the KIF1C protein (p.Gly616Glu). The glycine residue is highly conserved and there is a moderate physicochemical difference between glycine and glutamic acid. This variant is not present in population databases (ExAC no frequency). This variant has not been reported in the literature in individuals with KIF1C-related conditions. Algorithms developed to predict the effect of missense changes on protein structure and function are either unavailable or do not agree on the potential impact of this missense change (SIFT: "Deleterious"; PolyPhen-2: "Probably Damaging"; Align-GVGD: "Class C0"). In summary, the available evidence is currently insufficient to determine the role of this variant in disease. Therefore, it has been classified as a Variant of Uncertain Significance.